The following is an entry in ClinVar:

NM_052947.4(ALPK2):c.1792G>A (p.Asp598Asn)

Gene: ALPK2 (alpha kinase 2; minus strand). Cytogenetic location: 18q21.31.
Variant type: single nucleotide variant.
Coding change: c.1792G>A on transcript NM_052947.4 (MANE Select); coding-DNA position 1792, G replaced by A.
Protein change: p.Asp598Asn; replaces aspartic acid 598 with asparagine.
Molecular consequence: missense variant.
Genome position (GRCh38, 1-based): chr18:58,578,984, C>T on the plus strand (G>A on the coding strand, the complement: ALPK2 is on the minus strand). VCF-style: chr18-58578984-C-T. GRCh37 (hg19) VCF-style: chr18-56246216-C-T.
Other names: short protein forms D598N.
Identifiers: ClinVar variation 3289963 (VCV003289963.1).

ClinVar aggregate classification (germline): Uncertain significance (1 of 4 stars; one submission).

Submission:

Ambry Genetics
Classification: Uncertain significance. Last evaluated: 2024-04-05. Review status: criteria provided, single submitter. Criteria: Ambry Variant Classification Scheme 2023. Collection method: clinical testing. Allele origin: germline.
Comment: The p.D598N variant (also known as c.1792G>A), located in coding exon 3 of the ALPK2 gene, results from a G to A substitution at nucleotide position 1792. The aspartic acid at codon 598 is replaced by asparagine, an amino acid with highly similar properties. This amino acid position is conserved. In addition, this alteration is predicted to be tolerated by in silico analysis. Based on the available evidence, the clinical significance of this variant remains unclear.